The following is an entry in ClinVar:

ClinVar aggregate classification (germline): Uncertain significance (1 of 4 stars; one submission).

Submission:

Labcorp Genetics (formerly Invitae), Labcorp
Classification: Uncertain significance. Last evaluated: 2024-07-17. Review status: criteria provided, single submitter. Criteria: Invitae Variant Classification Sherloc (09022015). Collection method: clinical testing. Allele origin: germline.
Comment: This sequence change replaces serine, which is neutral and polar, with threonine, which is neutral and polar, at codon 354 of the CDH23 protein (p.Ser354Thr). This variant is not present in population databases (gnomAD no frequency). This variant has not been reported in the literature in individuals affected with CDH23-related conditions. Advanced modeling of protein sequence and biophysical properties (such as structural, functional, and spatial information, amino acid conservation, physicochemical variation, residue mobility, and thermodynamic stability) performed at Invitae indicates that this missense variant is not expected to disrupt CDH23 protein function with a negative predictive value of 95%. In summary, the available evidence is currently insufficient to determine the role of this variant in disease. Therefore, it has been classified as a Variant of Uncertain Significance.

NM_022124.6(CDH23):c.1061G>C (p.Ser354Thr)

Gene: CDH23 (cadherin related 23; plus strand). Cytogenetic location: 10q22.1.
Variant type: single nucleotide variant.
Coding change: c.1061G>C on transcript NM_022124.6 (MANE Select); coding-DNA position 1061, G replaced by C.
Protein change: p.Ser354Thr; replaces serine 354 with threonine.
Molecular consequence: missense variant.
Genome position (GRCh38, 1-based): chr10:71,617,320, G>C. VCF-style: chr10-71617320-G-C. GRCh37 (hg19) VCF-style: chr10-73377077-G-C.
Other names: c.1061G>C, p.Ser354Thr (NM_001171930.2, NM_001171931.2, NM_001171932.2 and 1 more transcripts); short protein forms S354T.
Identifiers: ClinVar variation 3696621 (VCV003696621.2).